The following is an entry in ClinVar:

NM_001079.4(ZAP70):c.1079G>C (p.Arg360Pro)

Gene: ZAP70 (zeta chain of T cell receptor associated protein kinase 70; plus strand). Cytogenetic location: 2q11.2.
Variant type: single nucleotide variant.
Coding change: c.1079G>C on transcript NM_001079.4 (MANE Select); coding-DNA position 1079, G replaced by C.
Protein change: p.Arg360Pro; replaces arginine 360 with proline.
Molecular consequence: missense variant.
Genome position (GRCh38, 1-based): chr2:97,734,709, G>C. VCF-style: chr2-97734709-G-C. GRCh37 (hg19) VCF-style: chr2-98351172-G-C.
Other names: c.1079G>C, p.Arg360Pro (NM_001378594.1); c.158G>C, p.Arg53Pro (NM_207519.2); short protein forms R360P, R53P.
Identifiers: ClinVar variation 222950 (VCV000222950.14), dbSNP rs869025224, ClinGen allele CA352138.

ClinVar aggregate classification (germline): Conflicting classifications of pathogenicity. Review status: criteria provided, conflicting classifications (1 of 4 stars). 4 submissions from 4 submitters: Pathogenic (1); Uncertain significance (1). 2 of the submissions do not count toward it. Last evaluated 2026-03-10.

Conditions:
Autoimmune disease, multisystem, infantile-onset, 2 (ADMIO2). Identifiers: MedGen C4310768, MONDO:0014861, OMIM 617006.
Combined immunodeficiency due to ZAP70 deficiency (IMD48). Also called: ZAP70 Deficiency; Immunodeficiency 48. Identifiers: Orphanet 911, MedGen C2931299, MONDO:0010023, OMIM 269840.
Combined immunodeficiency. Also called: Combined T and B cell immunodeficiency; Congenital combined immunodeficiency. Identifiers: Orphanet 101972, MedGen C2711630, MONDO:0015131, HP:0005387.

Allele frequency attached by ClinVar (database versions not stated): TOPMed 0.00001; gnomAD 0.00001.
gnomAD v4.1: 8 of 1,613,540 alleles (0.0005%); highest among the groups gnomAD compares: Admixed American, 0.0017%; no homozygotes.

Submissions (4):

Women's Health and Genetics/Laboratory Corporation of America, LabCorp
Classification: Uncertain significance. Last evaluated: 2026-03-10. Review status: criteria provided, single submitter. Criteria: LabCorp Variant Classification Summary - May 2015. Collection method: clinical testing. Allele origin: germline.
Comment: Variant summary: ZAP70 c.1079G>C (p.Arg360Pro) results in a non-conservative amino acid change in the encoded protein sequence. Algorithms developed to predict the effect of missense changes on protein structure and function are either unavailable or do not agree on the potential impact of this missense change. The variant was absent in 249476 control chromosomes. c.1079G>C has been observed in individuals affected with ZAP-70-associated autoimmune disease (Chan_2016). These data indicate that the variant may be associated with disease. Publications report experimental evidence evaluating an impact on protein function, finding that the variant results in a mildly hyperactive effect (e.g. Chan_2016, Shen_2021). The following publications have been ascertained in the context of this evaluation (PMID: 26783323, 33531381). ClinVar contains an entry for this variant (Variation ID: 222950). Based on the evidence outlined above, the variant was classified as VUS-possibly pathogenic.

Puck Laboratory, University of California, San Francisco
Classification: Pathogenic for Combined immunodeficiency. Last evaluated: 2015-10-01. Review status: criteria provided, single submitter. Criteria: Chan et al. (J Exp Med 2016). Collection method: research. Allele origin: paternal, unknown. Inheritance: Autosomal recessive inheritance. Affected: yes and no. Observed: 4 variant alleles, 2 heterozygotes, 2 compound heterozygotes. Clinical features observed: bullous pemphigoid, colitis, proteinuria, nephrotic syndrome, hemophilia.

OMIM
Classification: Pathogenic for AUTOIMMUNE DISEASE, MULTISYSTEM, INFANTILE-ONSET, 2 (1 family). Last evaluated: 2020-05-27. Review status: no assertion criteria provided. Collection method: literature only. Allele origin: germline. Not counted in ClinVar's aggregate classification.

GeneReviews
No classification provided. Condition: Combined immunodeficiency due to ZAP70 deficiency. Review status: no classification provided. Collection method: literature only. Allele origin: germline. Not counted in ClinVar's aggregate classification.

Literature cited by the submitters: PubMed 26783323 (cited by Women's Health and Genetics/Laboratory Corporation of America, LabCorp and OMIM); PubMed 33531381 (cited by Women's Health and Genetics/Laboratory Corporation of America, LabCorp); PubMed 25627829 (cited by Puck Laboratory, University of California, San Francisco); NCBI Bookshelf NBK20221 (cited by GeneReviews); PubMed 20301777 (cited by GeneReviews).